The following is an entry in ClinVar:

NM_007294.4(BRCA1):c.3865del (p.Thr1289fs)

Genes: BRCA1 (BRCA1 DNA repair associated; minus strand), LOC126862571 (BRD4-independent group 4 enhancer GRCh37_chr17:41243136-41244335; plus strand). Cytogenetic location: 17q21.31.
Variant type: Deletion.
Coding change: c.3865del on transcript NM_007294.4 (MANE Select); coding-DNA position 3865, one base deleted (A; older notation c.3865delA).
Protein change: p.Thr1289fs; shifts the reading frame from threonine 1289.
Molecular consequence: frameshift variant. On other transcripts: intron variant (135).
Genome position (GRCh38, 1-based): chr17:43,091,666, T deleted on the plus strand (A on the coding strand, the reverse complement: BRCA1 is on the minus strand); the first of 3 consecutive T bases (chr17:43,091,666-43,091,668); deleting any one gives the same sequence. VCF-style (leftmost placement, unchanged base first): chr17-43091665-GT-G. GRCh37 (hg19) VCF-style: chr17-41243682-GT-G.
Other names: c.3742del, p.Thr1248fs (NM_001407863.1, NM_001407648.1, NM_001407664.1 and 19 more transcripts); c.3661del, p.Thr1221fs (NM_001407874.1, NM_001407875.1); c.3655del, p.Thr1219fs (NM_001407881.1, NM_001407879.1, NM_001407882.1 and 13 more transcripts); c.644-634del (NM_001408464.1, NM_001408468.1, NM_001408465.1 and 3 more transcripts); c.524-634del (NM_001408498.1, NM_001408501.1, NM_001408500.1 and 3 more transcripts); c.647-634del (NM_001408467.1, NM_001408459.1, NM_001408455.1 and 11 more transcripts); c.584-634del (NM_001408475.1); c.710-634del (NM_001408412.1, NM_001408409.1, NM_001408414.1 and 2 more transcripts); and 42 more; short protein forms T1242fs, T1289fs, T1178fs, T1200fs, T1218fs, T1247fs, T1262fs, T993fs.
Identifiers: ClinVar variation 928522 (VCV000928522.5), dbSNP rs2053509532, ClinGen allele CA1139665613.

ClinVar aggregate classification (germline): Pathogenic/Likely pathogenic. Review status: criteria provided, multiple submitters, no conflicts (2 of 4 stars). 2 submissions from 2 submitters: Pathogenic (1); Likely pathogenic (1). Last evaluated 2025-01-01.

Conditions:
Hereditary breast ovarian cancer syndrome. Also called: Hereditary breast and ovarian cancer syndrome; Hereditary breast and ovarian cancer syndrome (HBOC); Hereditary breast and/or ovarian cancer syndrome; Hereditary breast and ovarian cancer; Breast and ovarian cancer; BRCA1- and BRCA2-Associated Hereditary Breast and Ovarian Cancer. Identifiers: Orphanet 145, MedGen C0677776, MeSH D061325, MONDO:0003582. Disease mechanism: loss of function.

Submissions (2):

Labcorp Genetics (formerly Invitae), Labcorp
Classification: Pathogenic for Hereditary breast ovarian cancer syndrome. Last evaluated: 2025-01-01. Review status: criteria provided, single submitter. Criteria: Invitae Variant Classification Sherloc (09022015). Collection method: clinical testing. Allele origin: germline.
Comment: This sequence change creates a premature translational stop signal (p.Thr1289Glnfs*18) in the BRCA1 gene. It is expected to result in an absent or disrupted protein product. Loss-of-function variants in BRCA1 are known to be pathogenic (PMID: 20104584). This variant is not present in population databases (gnomAD no frequency). This premature translational stop signal has been observed in individual(s) with ovarian cancer (PMID: 30078507). ClinVar contains an entry for this variant (Variation ID: 928522). For these reasons, this variant has been classified as Pathogenic.

Women's Health and Genetics/Laboratory Corporation of America, LabCorp
Classification: Likely pathogenic for Hereditary breast and ovarian cancer syndrome. Last evaluated: 2019-09-23. Review status: criteria provided, single submitter. Criteria: LabCorp Variant Classification Summary - May 2015. Collection method: clinical testing. Allele origin: germline.
Comment: Variant summary: BRCA1 c.3865delA (p.Thr1289GlnfsX18) results in a premature termination codon, predicted to cause a truncation of the encoded protein or absence of the protein due to nonsense mediated decay, which are commonly known mechanisms for disease. The variant was absent in 251164 control chromosomes (gnomAD). c.3865delA has been reported in the literature in an individual affected with Ovarian Cancer (Li_2018). To our knowledge, no experimental evidence demonstrating an impact on protein function has been reported. No clinical diagnostic laboratories have submitted clinical-significance assessments for this variant to ClinVar after 2014. Based on the evidence outlined above, the variant was classified as likely pathogenic.

Literature cited by the submitters: PubMed 20104584 (cited by Labcorp Genetics (formerly Invitae), Labcorp); PubMed 30078507 (cited by Labcorp Genetics (formerly Invitae), Labcorp and Women's Health and Genetics/Laboratory Corporation of America, LabCorp).